The following is an entry in ClinVar:

NM_173551.5(ANKS6):c.1641C>A (p.Thr547=)

Gene: ANKS6 (ankyrin repeat and sterile alpha motif domain containing 6; minus strand). Cytogenetic location: 9q22.33.
Variant type: single nucleotide variant.
Coding change: c.1641C>A on transcript NM_173551.5 (MANE Select); coding-DNA position 1641, C replaced by A.
Protein change: p.Thr547=; no amino-acid change (threonine 547 retained).
Molecular consequence: synonymous variant.
Genome position (GRCh38, 1-based): chr9:98,774,057, G>T on the plus strand (C>A on the coding strand, the complement: ANKS6 is on the minus strand). VCF-style: chr9-98774057-G-T. GRCh37 (hg19) VCF-style: chr9-101536339-G-T.
Identifiers: ClinVar variation 775032 (VCV000775032.8), dbSNP rs371491495, ClinGen allele CA5153397.
Genomic context (GRCh38, chr9:98,774,057, plus strand): 5'-AAAACTGGAAGGGGGTAGGAATGGGGGGATGACTGCTTTCAGCTTGTCACTCGGGAGTCT[G>T]GTGAGGGGAGCTCCGTTTCGAAGCTGAAAAAGACAGGCTGAGGGTTAGACAAGCCCCCAG-3'
Protein context (NP_775822.3, residues 537-557): TTMLRNGAPL[Thr547=]RLPSDKLKAV

ClinVar aggregate classification (germline): Likely benign. Review status: criteria provided, multiple submitters, no conflicts (2 of 4 stars). 2 submissions from 2 submitters: Likely benign (2). Last evaluated 2026-01-26.

Conditions:
Nephronophthisis 16 (NPHP16). Identifiers: Orphanet 655, MedGen C3809320, MONDO:0014158, OMIM 615382.
ANKS6-related disorder. Also called: ANKS6-related condition.

Allele frequency attached by ClinVar (database versions not stated): ExAC 0.00005; gnomAD exomes 0.00006; gnomAD 0.00009; TOPMed 0.00011; ESP Exome Variant Server 0.00025.
gnomAD v4.1: 304 of 1,525,432 alleles (0.02%); highest among the groups gnomAD compares: Non-Finnish European, 0.026%; no homozygotes.

Submissions (2):

PreventionGenetics, part of Exact Sciences
Classification: Likely benign for ANKS6-related condition. Last evaluated: 2026-01-26. Review status: criteria provided, single submitter. Criteria: ACMG Guidelines, 2015. Collection method: clinical testing. Allele origin: germline.
Comment: This variant is classified as likely benign based on ACMG/AMP sequence variant interpretation guidelines (Richards et al. 2015 PMID: 25741868, with internal and published modifications).

Labcorp Genetics (formerly Invitae), Labcorp
Classification: Likely benign for Nephronophthisis 16. Last evaluated: 2024-06-14. Review status: criteria provided, single submitter. Criteria: Invitae Variant Classification Sherloc (09022015). Collection method: clinical testing. Allele origin: germline.